The following is an entry in ClinVar:

NM_006767.4(LZTR1):c.514C>A (p.Pro172Thr)

Gene: LZTR1 (leucine zipper like post translational regulator 1; plus strand). Cytogenetic location: 22q11.21.
Variant type: single nucleotide variant.
Coding change: c.514C>A on transcript NM_006767.4 (MANE Select); coding-DNA position 514, C replaced by A.
Protein change: p.Pro172Thr; replaces proline 172 with threonine.
Molecular consequence: missense variant.
Genome position (GRCh38, 1-based): chr22:20,988,793, C>A. VCF-style: chr22-20988793-C-A. GRCh37 (hg19) VCF-style: chr22-21343082-C-A.
Other names: short protein forms P172T.
Identifiers: ClinVar variation 3541699 (VCV003541699.1).

ClinVar aggregate classification (germline): Uncertain significance (1 of 4 stars; one submission).

Conditions:
Hereditary cancer-predisposing syndrome. Also called: Hereditary Cancer Syndrome; Hereditary neoplastic syndrome; Tumor predisposition; Neoplastic Syndromes, Hereditary. Identifiers: Orphanet 140162, MedGen C0027672, MeSH D009386, MONDO:0015356.
Cardiovascular phenotype. Identifiers: MedGen CN230736.

gnomAD v4.1: 1 of 1,613,666 alleles (0.000062%); no homozygotes.

Submission:

Ambry Genetics
Classification: Uncertain significance for Cardiovascular phenotype; Hereditary cancer-predisposing syndrome. Last evaluated: 2024-11-15. Review status: criteria provided, single submitter. Criteria: Ambry Variant Classification Scheme 2023. Collection method: clinical testing. Allele origin: germline.
Comment: The p.P172T variant (also known as c.514C>A), located in coding exon 6 of the LZTR1 gene, results from a C to A substitution at nucleotide position 514. The proline at codon 172 is replaced by threonine, an amino acid with highly similar properties. This amino acid position is conserved. In addition, this alteration is predicted to be deleterious by in silico analysis. Based on the available evidence, the clinical significance of this variant remains unclear.